The following is an entry in ClinVar:

ClinVar aggregate classification (germline): Uncertain significance (1 of 4 stars; one submission).

Allele frequency attached by ClinVar (database versions not stated): gnomAD exomes below 0.00001; TOPMed 0.00001.
gnomAD v4.1: 6 of 1,614,020 alleles (0.00037%); highest among the groups gnomAD compares: South Asian, 0.0011%; no homozygotes.

Submission:

Labcorp Genetics (formerly Invitae), Labcorp
Classification: Uncertain significance. Last evaluated: 2022-05-25. Review status: criteria provided, single submitter. Criteria: Invitae Variant Classification Sherloc (09022015). Collection method: clinical testing. Allele origin: germline.
Comment: This variant is present in population databases (no rsID available, gnomAD 0.002%). This sequence change replaces glutamic acid, which is acidic and polar, with lysine, which is basic and polar, at codon 122 of the AP2S1 protein (p.Glu122Lys). This variant has not been reported in the literature in individuals affected with AP2S1-related conditions. In summary, the available evidence is currently insufficient to determine the role of this variant in disease. Therefore, it has been classified as a Variant of Uncertain Significance. Algorithms developed to predict the effect of missense changes on protein structure and function are either unavailable or do not agree on the potential impact of this missense change (SIFT: "Deleterious"; PolyPhen-2: "Benign"; Align-GVGD: "Class C0").

NM_004069.6(AP2S1):c.364G>A (p.Glu122Lys)

Gene: AP2S1 (adaptor related protein complex 2 subunit sigma 1; minus strand). Cytogenetic location: 19q13.32.
Variant type: single nucleotide variant.
Coding change: c.364G>A on transcript NM_004069.6 (MANE Select); coding-DNA position 364, G replaced by A.
Protein change: p.Glu122Lys; replaces glutamic acid 122 with lysine.
Molecular consequence: missense variant.
Genome position (GRCh38, 1-based): chr19:46,838,512, C>T on the plus strand (G>A on the coding strand, the complement: AP2S1 is on the minus strand). VCF-style: chr19-46838512-C-T. GRCh37 (hg19) VCF-style: chr19-47341769-C-T.
Other names: c.412G>A, p.Glu138Lys (NM_001301076.3); c.406G>A, p.Glu136Lys (NM_001301078.3); c.370G>A, p.Glu124Lys (NM_001301081.3); c.250G>A, p.Glu84Lys (NM_021575.5); short protein forms E124K, E138K, E122K, E136K, E84K.
Identifiers: ClinVar variation 2173956 (VCV002173956.4), dbSNP rs1266748065, ClinGen allele CA406507530.
Genomic context (GRCh38, chr19:46,838,512, plus strand): 5'-CCAGGGACTGTAGCATCAGCAGCTGTTTCAGCACCTTCGTCTGGCTGGTCTCTCGGATTT[C>T]GCCAGCCAGGAACATCTCGTCCACGACCGTGTAAACCTGTGTGAGGGGAGACCCTGGGGT-3'
Protein context (NP_004060.2, residues 112-132): TVVDEMFLAG[Glu122Lys]IRETSQTKVL